The following is an entry in ClinVar:

NM_001079843.3(CASZ1):c.2934G>A (p.Ala978=)

Gene: CASZ1 (castor zinc finger 1; minus strand). Cytogenetic location: 1p36.22.
Variant type: single nucleotide variant.
Coding change: c.2934G>A on transcript NM_001079843.3 (MANE Select); coding-DNA position 2934, G replaced by A.
Protein change: p.Ala978=; no amino-acid change (alanine 978 retained).
Molecular consequence: synonymous variant.
Genome position (GRCh38, 1-based): chr1:10,649,384, C>T on the plus strand (G>A on the coding strand, the complement: CASZ1 is on the minus strand). VCF-style: chr1-10649384-C-T. GRCh37 (hg19) VCF-style: chr1-10709441-C-T.
Other names: c.2934G>A, p.Ala978= (NM_017766.5).
Identifiers: ClinVar variation 1288602 (VCV001288602.12), dbSNP rs284299, ClinGen allele CA584662.

ClinVar aggregate classification (germline): Benign. Review status: criteria provided, multiple submitters, no conflicts (2 of 4 stars). 4 submissions from 4 submitters: Benign (3). 1 of the submissions does not count toward it. Last evaluated 2026-02-03.

Conditions:
CASZ1-related disorder. Also called: CASZ1-related condition.

Allele frequency attached by ClinVar (database versions not stated): gnomAD exomes 0.20939; ExAC 0.24979; TOPMed 0.26762; ESP Exome Variant Server 0.26766; 1000 Genomes Project 0.31290; 1000 Genomes Project 30x 0.31465.
gnomAD v4.1: 315,654 of 1,606,960 alleles (20%); highest among the groups gnomAD compares: African/African-American, 48%; 35,868 homozygotes.

Submissions (4):

Labcorp Genetics (formerly Invitae), Labcorp
Classification: Benign. Last evaluated: 2026-02-03. Review status: criteria provided, single submitter. Criteria: Invitae Variant Classification Sherloc (09022015). Collection method: clinical testing. Allele origin: germline.

GeneDx
Classification: Benign. Last evaluated: 2021-02-12. Review status: criteria provided, single submitter. Criteria: GeneDx Variant Classification Process June 2021. Collection method: clinical testing. Allele origin: germline. Affected: yes.

Breakthrough Genomics
Classification: Benign. Review status: criteria provided, single submitter. Criteria: ACMG Guidelines, 2015. Collection method: not provided. Allele origin: germline. Inheritance: Unknown mechanism. Affected: yes.

PreventionGenetics, part of Exact Sciences
Classification: Benign for CASZ1-related condition. Last evaluated: 2019-10-29. Review status: no assertion criteria provided. Collection method: clinical testing. Allele origin: germline. Not counted in ClinVar's aggregate classification.
Comment: This variant is classified as benign based on ACMG/AMP sequence variant interpretation guidelines (Richards et al. 2015 PMID: 25741868, with internal and published modifications).